The following is an entry in ClinVar:

ClinVar aggregate classification (germline): Pathogenic/Likely pathogenic. Review status: criteria provided, multiple submitters, no conflicts (2 of 4 stars). 6 submissions from 6 submitters: Pathogenic (5); Likely pathogenic (1). Last evaluated 2026-04-28.

Conditions:
Inborn genetic diseases. Identifiers: MedGen C0950123, MeSH D030342.
Glycogen storage disease type III (GSD3). Also called: Cori disease; FORBES DISEASE. Identifiers: Orphanet 366, MedGen C0017922, MONDO:0009291, OMIM 232400.

Submissions (6):

Ambry Genetics
Classification: Pathogenic for Inborn genetic diseases. Last evaluated: 2026-04-28. Review status: criteria provided, single submitter. Criteria: Ambry Variant Classification Scheme 2023. Collection method: clinical testing. Allele origin: germline.
Comment: The c.2036delA (p.K679Sfs*51) alteration, located in exon 16 (coding exon 15) of the AGL gene, consists of a deletion of one nucleotide at position 2036, causing a translational frameshift with a predicted alternate stop codon after 51 amino acids. This variant is expected to result in loss of function by premature protein truncation or nonsense-mediated mRNA decay. This variant was not reported in population-based cohorts in the Genome Aggregation Database (gnomAD). Based on the available evidence, this alteration is classified as pathogenic.

Myriad Genetics, Inc.
Classification: Pathogenic for Glycogen storage disease type III. Last evaluated: 2026-03-08. Review status: criteria provided, single submitter. Criteria: Myriad Autosomal Dominant, Autosomal Recessive and X-Linked Classification Criteria (2023). Collection method: clinical testing. Allele origin: unknown.
Comment: NM_000642.2(AGL):c.2036delA(K679Sfs*51) is expected to be pathogenic in the context of glycogen storage disease type III. This variant is predicted to lead to an abnormal or absent protein product due to the creation of a premature termination codon in AGL, a gene where loss-of-function variants are known to be pathogenic. Please note: this variant was assessed in the context of healthy population screening.

3billion
Classification: Pathogenic for Glycogen storage disease type III. Last evaluated: 2025-12-01. Review status: criteria provided, single submitter. Criteria: ACMG Guidelines, 2015. Collection method: clinical testing. Allele origin: germline. Affected: yes.
Comment: The variant is not observed in the gnomAD v4.1.0 dataset. Predicted Consequence/Location: Frameshift: predicted to result in a loss or disruption of normal protein function through nonsense-mediated decay (NMD) or protein truncation. Multiple pathogenic variants are reported downstream of the variant. The variant has been reported at least twice as pathogenic with clinical assertions and evidence for the classification (ClinVar ID: VCV001394482). Therefore, this variant is classified as Pathogenic according to the recommendation of ACMG/AMP guideline.

Baylor Genetics
Classification: Likely pathogenic for Glycogen storage disease type III. Last evaluated: 2023-06-13. Review status: criteria provided, single submitter. Criteria: ACMG Guidelines, 2015. Collection method: clinical testing. Allele origin: unknown.

Genome-Nilou Lab
Classification: Pathogenic for Glycogen storage disease type III. Last evaluated: 2023-04-11. Review status: criteria provided, single submitter. Criteria: ACMG Guidelines, 2015. Collection method: clinical testing. Allele origin: germline. Affected: no.

Labcorp Genetics (formerly Invitae), Labcorp
Classification: Pathogenic for Glycogen storage disease type III. Last evaluated: 2020-12-14. Review status: criteria provided, single submitter. Criteria: Invitae Variant Classification Sherloc (09022015). Collection method: clinical testing. Allele origin: germline.
Comment: This sequence change creates a premature translational stop signal (p.Lys679Serfs*51) in the AGL gene. It is expected to result in an absent or disrupted protein product. Loss-of-function variants in AGL are known to be pathogenic (PMID: 19299494). For these reasons, this variant has been classified as Pathogenic. This variant has not been reported in the literature in individuals with AGL-related conditions. This variant is not present in population databases (ExAC no frequency).

Literature cited by the submitters: PubMed 19299494 (cited by Labcorp Genetics (formerly Invitae), Labcorp).

NM_000642.3(AGL):c.2036del (p.Lys679fs)

Gene: AGL (amylo-alpha-1,6-glucosidase and 4-alpha-glucanotransferase; plus strand). Cytogenetic location: 1p21.2.
Variant type: Deletion.
Coding change: c.2036del on transcript NM_000642.3 (MANE Select); coding-DNA position 2036, one base deleted (A; older notation c.2036delA).
Protein change: p.Lys679fs; shifts the reading frame from lysine 679.
Molecular consequence: frameshift variant.
Genome position (GRCh38, 1-based): chr1:99,881,326, A deleted; the last of 2 consecutive A bases (chr1:99,881,325-99,881,326); deleting either gives the same sequence. VCF-style (leftmost placement, unchanged base first): chr1-99881324-TA-T. GRCh37 (hg19) VCF-style: chr1-100346880-TA-T.
Other names: c.2036delA (NM_000642.2); c.2036del (NM_000642.2); c.2036delA, p.Lys679Serfs (NM_000028.3, NM_000643.3, NM_000644.3 and 2 more transcripts); c.1988delA, p.Lys663Serfs (NM_000646.3); c.1835delA, p.Lys612Serfs (NM_001425327.1); c.1832delA, p.Lys611Serfs (NM_001425328.1, NM_001425329.1); c.1658delA, p.Lys553Serfs (NM_001425332.1); short protein forms K663fs, K679fs.
Identifiers: ClinVar variation 1394482 (VCV001394482.11), dbSNP rs2100759432, ClinGen allele CA2573131986.
Genomic context (GRCh38, chr1:99,881,324, plus strand): 5'-ATCCATGCTAAATTTTACCTTTGTCCAGATTTCAGTGGTTTCTGAAGAACGGTTTTACAC[TA>T]AGTGGAATCCTGAAGCATTGCCTTCAAACACAGGTGAAGTTAATTTCCAAAGCGGCATTA-3'